The following is an entry in ClinVar:

ClinVar aggregate classification (germline): Benign/Likely benign. Review status: criteria provided, multiple submitters, no conflicts (2 of 4 stars). 4 submissions from 4 submitters: Benign (1); Likely benign (2). 1 of the submissions does not count toward it. Last evaluated 2024-08-27.

Conditions:
GPR101-related disorder. Also called: GPR101-related condition.

Allele frequency attached by ClinVar (database versions not stated): gnomAD 0.00005; gnomAD exomes 0.00005; TOPMed 0.00006; ExAC 0.00013; ESP Exome Variant Server 0.00019; 1000 Genomes Project 0.00026; 1000 Genomes Project 30x 0.00042.
gnomAD v4.1: 64 of 1,209,425 alleles (0.0053%); highest among the groups gnomAD compares: Middle Eastern, 0.092%; no homozygotes.

Submissions (4):

Labcorp Genetics (formerly Invitae), Labcorp
Classification: Benign. Last evaluated: 2024-08-27. Review status: criteria provided, single submitter. Criteria: Invitae Variant Classification Sherloc (09022015). Collection method: clinical testing. Allele origin: germline.

Ambry Genetics
Classification: Likely benign. Last evaluated: 2024-08-05. Review status: criteria provided, single submitter. Criteria: Ambry Variant Classification Scheme 2023. Collection method: clinical testing. Allele origin: germline.

Blueprint Genetics
Classification: Likely benign. Last evaluated: 2024-05-21. Review status: criteria provided, single submitter. Criteria: ACMG Guidelines, 2015. Collection method: clinical testing. Allele origin: germline.

PreventionGenetics, part of Exact Sciences
Classification: Likely benign for GPR101-related condition. Last evaluated: 2020-08-10. Review status: no assertion criteria provided. Collection method: clinical testing. Allele origin: germline. Not counted in ClinVar's aggregate classification.
Comment: This variant is classified as likely benign based on ACMG/AMP sequence variant interpretation guidelines (Richards et al. 2015 PMID: 25741868, with internal and published modifications).

NM_054021.2(GPR101):c.886A>G (p.Ser296Gly)

Gene: GPR101 (G protein-coupled receptor 101; minus strand). Cytogenetic location: Xq26.3.
Variant type: single nucleotide variant.
Coding change: c.886A>G on transcript NM_054021.2 (MANE Select); coding-DNA position 886, A replaced by G.
Protein change: p.Ser296Gly; replaces serine 296 with glycine.
Molecular consequence: missense variant.
Genome position (GRCh38, 1-based): chrX:137,030,789, T>C on the plus strand (A>G on the coding strand, the complement: GPR101 is on the minus strand). VCF-style: chrX-137030789-T-C. GRCh37 (hg19) VCF-style: chrX-136112948-T-C.
Other names: c.886A>G (NM_054021.1); short protein forms S296G.
Identifiers: ClinVar variation 2202222 (VCV002202222.8), dbSNP rs371522625, ClinGen allele CA10529127.